The following is an entry in ClinVar:

NM_003640.5(ELP1):c.2686G>A (p.Gly896Ser)

Gene: ELP1 (elongator acetyltransferase complex subunit 1; minus strand). Cytogenetic location: 9q31.3.
Variant type: single nucleotide variant.
Coding change: c.2686G>A on transcript NM_003640.5 (MANE Select); coding-DNA position 2686, G replaced by A.
Protein change: p.Gly896Ser; replaces glycine 896 with serine.
Molecular consequence: missense variant.
Genome position (GRCh38, 1-based): chr9:108,896,546, C>T on the plus strand (G>A on the coding strand, the complement: ELP1 is on the minus strand). VCF-style: chr9-108896546-C-T. GRCh37 (hg19) VCF-style: chr9-111658826-C-T.
Other names: c.2344G>A, p.Gly782Ser (NM_001318360.2); c.1639G>A, p.Gly547Ser (NM_001330749.2); short protein forms G547S, G782S, G896S.
Identifiers: ClinVar variation 989528 (VCV000989528.6), dbSNP rs200590656, ClinGen allele CA5174561.

ClinVar aggregate classification (germline): Uncertain significance. Review status: criteria provided, multiple submitters, no conflicts (2 of 4 stars). 3 submissions from 3 submitters: Uncertain significance (2). 1 of the submissions does not count toward it. Last evaluated 2026-09-01.

Conditions:
Familial dysautonomia. Also called: FD; HSAN III. Identifiers: Orphanet 1764, MedGen C0013364, MONDO:0009131, OMIM 223900. Disease mechanism: loss of function.

Allele frequency attached by ClinVar (database versions not stated): gnomAD 0.00001 and 0.00003; gnomAD exomes 0.00001 and 0.00003; TOPMed 0.00001; ExAC 0.00003; 1000 Genomes Project 30x 0.00047; 1000 Genomes Project 0.00060.
gnomAD v4.1: 15 of 1,614,014 alleles (0.00093%); highest among the groups gnomAD compares: East Asian, 0.029%; no homozygotes.

Submissions (3):

Myriad Genetics, Inc.
Classification: Uncertain significance for Familial dysautonomia. Last evaluated: 2026-09-01. Review status: criteria provided, single submitter. Criteria: Myriad Autosomal Dominant, Autosomal Recessive and X-Linked Classification Criteria (2023). Collection method: clinical testing. Allele origin: unknown.
Comment: NM_003640.3(ELP1):c.2686G>A(G896S) is a missense variant classified as a variant of uncertain significance in the context of familial dysautonomia. G896S has not been observed in cases with relevant disease. Relevant functional assessments of this variant are not available in the literature. G896S has been observed in referenced population frequency databases. In summary, there is insufficient evidence to classify NM_003640.3(ELP1):c.2686G>A(G896S) as pathogenic or benign. Please note: this variant was assessed in the context of healthy population screening.

Labcorp Genetics (formerly Invitae), Labcorp
Classification: Uncertain significance. Last evaluated: 2026-01-07. Review status: criteria provided, single submitter. Criteria: Invitae Variant Classification Sherloc (09022015). Collection method: clinical testing. Allele origin: germline.
Comment: This sequence change replaces glycine, which is neutral and non-polar, with serine, which is neutral and polar, at codon 896 of the ELP1 protein (p.Gly896Ser). This variant is present in population databases (rs200590656, gnomAD 0.04%). This variant has not been reported in the literature in individuals affected with ELP1-related conditions. ClinVar contains an entry for this variant (Variation ID: 989528). Invitae Evidence Modeling of protein sequence and biophysical properties (such as structural, functional, and spatial information, amino acid conservation, physicochemical variation, residue mobility, and thermodynamic stability) has been performed for this missense variant. However, the output from this modeling did not meet the statistical confidence thresholds required to predict the impact of this variant on ELP1 protein function. In summary, the available evidence is currently insufficient to determine the role of this variant in disease. Therefore, it has been classified as a Variant of Uncertain Significance.

Natera, Inc.
Classification: Uncertain significance for Familial dysautonomia. Last evaluated: 2020-08-16. Review status: no assertion criteria provided. Collection method: clinical testing. Allele origin: germline. Not counted in ClinVar's aggregate classification.